The following is an entry in ClinVar:

ClinVar aggregate classification (germline): Benign/Likely benign. Review status: criteria provided, multiple submitters, no conflicts (2 of 4 stars). 3 submissions from 3 submitters: Benign (1); Likely benign (2). Last evaluated 2025-02-07.

Conditions:
Hereditary cancer-predisposing syndrome. Also called: Neoplastic Syndromes, Hereditary; Hereditary Cancer Syndrome; Tumor predisposition; Hereditary neoplastic syndrome. Identifiers: Orphanet 140162, MedGen C0027672, MeSH D009386, MONDO:0015356.
Colorectal cancer, susceptibility to, 12 (CRCS12). Also called: COLORECTAL CANCER, SUSCEPTIBILITY TO, ON CHROMOSOME 12q24. Identifiers: Orphanet 220460, MedGen C3554460, MONDO:0014038, OMIM 615083.

Submissions (3):

Myriad Genetics, Inc.
Classification: Benign for Colorectal cancer, susceptibility to, 12. Last evaluated: 2025-02-07. Review status: criteria provided, single submitter. Criteria: Myriad Autosomal Dominant, Autosomal Recessive and X-Linked Classification Criteria (2023). Collection method: clinical testing. Allele origin: unknown.
Comment: This variant is considered benign. This variant is a silent/synonymous amino acid change and it is not expected to impact splicing.

Labcorp Genetics (formerly Invitae), Labcorp
Classification: Likely benign. Last evaluated: 2024-02-01. Review status: criteria provided, single submitter. Criteria: Invitae Variant Classification Sherloc (09022015). Collection method: clinical testing. Allele origin: germline.

Ambry Genetics
Classification: Likely benign for Hereditary cancer-predisposing syndrome. Last evaluated: 2023-01-08. Review status: criteria provided, single submitter. Criteria: Ambry Variant Classification Scheme 2023. Collection method: clinical testing. Allele origin: germline.

NM_006231.4(POLE):c.840A>G (p.Lys280=)

Gene: POLE (DNA polymerase epsilon, catalytic subunit; minus strand). Cytogenetic location: 12q24.33.
Variant type: single nucleotide variant.
Coding change: c.840A>G on transcript NM_006231.4 (MANE Select); coding-DNA position 840, A replaced by G.
Protein change: p.Lys280=; no amino-acid change (lysine 280 retained).
Molecular consequence: synonymous variant.
Genome position (GRCh38, 1-based): chr12:132,676,615, T>C on the plus strand (A>G on the coding strand, the complement: POLE is on the minus strand). VCF-style: chr12-132676615-T-C. GRCh37 (hg19) VCF-style: chr12-133253201-T-C.
Identifiers: ClinVar variation 2447934 (VCV002447934.6), dbSNP rs908089476, ClinGen allele CA482723615.